The following is an entry in ClinVar:

ClinVar aggregate classification (germline): Pathogenic (1 of 4 stars; one submission).

Conditions:
Muscular dystrophy-dystroglycanopathy type B6 (MDDGB6). Also called: MUSCULAR DYSTROPHY-DYSTROGLYCANOPATHY (CONGENITAL WITH IMPAIRED INTELLECTUAL DEVELOPMENT), TYPE B, 6; MUSCULAR DYSTROPHY, CONGENITAL, LARGE-RELATED; MUSCULAR DYSTROPHY, CONGENITAL, TYPE 1D. Identifiers: MedGen C1837229, MONDO:0012138, OMIM 608840.

Submission:

Labcorp Genetics (formerly Invitae), Labcorp
Classification: Pathogenic for Muscular dystrophy-dystroglycanopathy type B6. Last evaluated: 2025-12-01. Review status: criteria provided, single submitter. Criteria: Invitae Variant Classification Sherloc (09022015). Collection method: clinical testing. Allele origin: germline.
Comment: This sequence change creates a premature translational stop signal (p.Trp288*) in the LARGE1 gene. It is expected to result in an absent or disrupted protein product. Loss-of-function variants in LARGE1 are known to be pathogenic (PMID: 12966029, 17878207). This variant is not present in population databases (gnomAD no frequency). This variant has not been reported in the literature in individuals affected with LARGE1-related conditions. ClinVar contains an entry for this variant (Variation ID: 2964187). For these reasons, this variant has been classified as Pathogenic.

Literature cited by the submitters: PubMed 12966029; PubMed 17878207.

NM_133642.5(LARGE1):c.864G>A (p.Trp288Ter)

Gene: LARGE1 (LARGE xylosyl- and glucuronyltransferase 1; minus strand). Cytogenetic location: 22q12.3.
Variant type: single nucleotide variant.
Coding change: c.864G>A on transcript NM_133642.5 (MANE Select); coding-DNA position 864, G replaced by A.
Protein change: p.Trp288Ter; replaces tryptophan 288 with a stop codon.
Molecular consequence: nonsense.
Genome position (GRCh38, 1-based): chr22:33,432,189, C>T on the plus strand (G>A on the coding strand, the complement: LARGE1 is on the minus strand). VCF-style: chr22-33432189-C-T. GRCh37 (hg19) VCF-style: chr22-33828175-C-T.
Other names: c.864G>A, p.Trp288Ter (NM_001362949.2, NM_001362951.2, NM_001362953.2 and 7 more transcripts); c.261G>A, p.Trp87Ter (NM_001378630.1, NM_001378631.1); short protein forms W288*, W87*.
Identifiers: ClinVar variation 2964187 (VCV002964187.3), dbSNP rs2547094272, ClinGen allele CA411545347.